The following is an entry in ClinVar:

ClinVar aggregate classification (germline): Uncertain significance (1 of 4 stars; one submission).

Conditions:
Werner syndrome (WRN). Identifiers: Orphanet 902, MedGen C0043119, MONDO:0010196, OMIM 277700.

Allele frequency attached by ClinVar (database versions not stated): gnomAD exomes below 0.00001.
gnomAD v4.1: 1 of 1,614,094 alleles (0.000062%); highest among the groups gnomAD compares: South Asian, 0.0011%; no homozygotes.

Submission:

Labcorp Genetics (formerly Invitae), Labcorp
Classification: Uncertain significance for Werner syndrome. Last evaluated: 2023-10-16. Review status: criteria provided, single submitter. Criteria: Invitae Variant Classification Sherloc (09022015). Collection method: clinical testing. Allele origin: germline.
Comment: This sequence change replaces alanine, which is neutral and non-polar, with serine, which is neutral and polar, at codon 1317 of the WRN protein (p.Ala1317Ser). This variant is not present in population databases (gnomAD no frequency). This variant has not been reported in the literature in individuals affected with WRN-related conditions. An algorithm developed to predict the effect of missense changes on protein structure and function (PolyPhen-2) suggests that this variant is likely to be tolerated. In summary, the available evidence is currently insufficient to determine the role of this variant in disease. Therefore, it has been classified as a Variant of Uncertain Significance.

NM_000553.6(WRN):c.3949G>T (p.Ala1317Ser)

Gene: WRN (WRN RecQ like helicase; plus strand). Cytogenetic location: 8p12.
Variant type: single nucleotide variant.
Coding change: c.3949G>T on transcript NM_000553.6 (MANE Select); coding-DNA position 3949, G replaced by T.
Protein change: p.Ala1317Ser; replaces alanine 1317 with serine.
Molecular consequence: missense variant.
Genome position (GRCh38, 1-based): chr8:31,157,497, G>T. VCF-style: chr8-31157497-G-T. GRCh37 (hg19) VCF-style: chr8-31015013-G-T.
Other names: short protein forms A1317S.
Identifiers: ClinVar variation 2902736 (VCV002902736.3), dbSNP rs2536061974, ClinGen allele CA370929581.